The following is an entry in ClinVar:

ClinVar aggregate classification (germline): Conflicting classifications of pathogenicity. Review status: criteria provided, conflicting classifications (1 of 4 stars). 6 submissions from 6 submitters: Uncertain significance (2); Likely benign (1). 3 of the submissions do not count toward it. Last evaluated 2023-03-07.

Conditions:
Cardiovascular phenotype. Identifiers: MedGen CN230736.
Cardiomyopathy (CMYO). Also called: Cardiomyopathies. Identifiers: Orphanet 167848, MedGen C0878544, MONDO:0004994, HP:0001638. Inheritance: Various modes of inheritance.
Dilated cardiomyopathy 1CC (CMD1CC). Identifiers: Orphanet 154, MedGen C2751084, MONDO:0013147, OMIM 613122.
Hypertrophic cardiomyopathy 20. Identifiers: MedGen C3151267, MONDO:0013477, OMIM 613876.

Allele frequency attached by ClinVar (database versions not stated): gnomAD 0.00001; TOPMed 0.00002; ExAC 0.00003; gnomAD exomes 0.00003.
gnomAD v4.1: 11 of 1,613,914 alleles (0.00068%); highest among the groups gnomAD compares: East Asian, 0.0045%; no homozygotes.

Submissions (6):

Ambry Genetics
Classification: Uncertain significance for Cardiovascular phenotype. Last evaluated: 2023-03-07. Review status: criteria provided, single submitter. Criteria: Ambry Variant Classification Scheme 2023. Collection method: clinical testing. Allele origin: germline.

Labcorp Genetics (formerly Invitae), Labcorp
Classification: Uncertain significance for Dilated cardiomyopathy 1CC; Hypertrophic cardiomyopathy 20. Last evaluated: 2023-01-30. Review status: criteria provided, single submitter. Criteria: Invitae Variant Classification Sherloc (09022015). Collection method: clinical testing. Allele origin: germline.
Comment: In summary, the available evidence is currently insufficient to determine the role of this variant in disease. Therefore, it has been classified as a Variant of Uncertain Significance. Advanced modeling of protein sequence and biophysical properties (such as structural, functional, and spatial information, amino acid conservation, physicochemical variation, residue mobility, and thermodynamic stability) performed at Invitae indicates that this missense variant is not expected to disrupt NEXN protein function. ClinVar contains an entry for this variant (Variation ID: 806155). This variant has not been reported in the literature in individuals affected with NEXN-related conditions. This variant is present in population databases (rs776891268, gnomAD 0.03%). This sequence change replaces arginine, which is basic and polar, with histidine, which is basic and polar, at codon 127 of the NEXN protein (p.Arg127His).

CHEO Genetics Diagnostic Laboratory, Children's Hospital of Eastern Ontario
Classification: Likely benign for Cardiomyopathy. Last evaluated: 2020-12-30. Review status: criteria provided, single submitter. Criteria: ACMG Guidelines, 2015. Collection method: clinical testing. Allele origin: germline.

Clinical Genetics, Academic Medical Center
Classification: Uncertain significance. Review status: no assertion criteria provided. Collection method: clinical testing. Allele origin: germline. Affected: yes. Study: VKGL Data-share Consensus. Not counted in ClinVar's aggregate classification.

Diagnostic Laboratory, Department of Genetics, University Medical Center Groningen
Classification: Uncertain significance. Review status: no assertion criteria provided. Collection method: clinical testing. Allele origin: germline. Affected: yes. Study: VKGL Data-share Consensus. Not counted in ClinVar's aggregate classification.

Joint Genome Diagnostic Labs from Nijmegen and Maastricht, Radboudumc and MUMC+
Classification: Uncertain significance. Review status: no assertion criteria provided. Collection method: clinical testing. Allele origin: germline. Affected: yes. Study: VKGL Data-share Consensus. Not counted in ClinVar's aggregate classification.

NM_144573.4(NEXN):c.380G>A (p.Arg127His)

Genes: NEXN (nexilin F-actin binding protein; plus strand), LOC126805765 (BRD4-independent group 4 enhancer GRCh37_chr1:78383688-78384887; plus strand). Cytogenetic location: 1p31.1.
Variant type: single nucleotide variant.
Coding change: c.380G>A on transcript NM_144573.4 (MANE Select); coding-DNA position 380, G replaced by A.
Protein change: p.Arg127His; replaces arginine 127 with histidine.
Molecular consequence: missense variant.
Genome position (GRCh38, 1-based): chr1:77,918,206, G>A. VCF-style: chr1-77918206-G-A. GRCh37 (hg19) VCF-style: chr1-78383891-G-A.
Other names: c.188G>A, p.Arg63His (NM_001172309.2); short protein forms R127H, R63H.
Identifiers: ClinVar variation 806155 (VCV000806155.28), dbSNP rs776891268, ClinGen allele CA918630.